The following is an entry in ClinVar:

NM_000094.4(COL7A1):c.7403C>G (p.Pro2468Arg)

Gene: COL7A1 (collagen type VII alpha 1 chain; minus strand). Cytogenetic location: 3p21.31.
Variant type: single nucleotide variant.
Coding change: c.7403C>G on transcript NM_000094.4 (MANE Select); coding-DNA position 7403, C replaced by G.
Protein change: p.Pro2468Arg; replaces proline 2468 with arginine.
Molecular consequence: missense variant.
Genome position (GRCh38, 1-based): chr3:48,570,312, G>C on the plus strand (C>G on the coding strand, the complement: COL7A1 is on the minus strand). VCF-style: chr3-48570312-G-C. GRCh37 (hg19) VCF-style: chr3-48607745-G-C.
Other names: short protein forms P2468R.
Identifiers: ClinVar variation 1717124 (VCV001717124.3), dbSNP rs2530859482, ClinGen allele CA352646395.

ClinVar aggregate classification (germline): Uncertain significance (1 of 4 stars; one submission).

Submission:

Labcorp Genetics (formerly Invitae), Labcorp
Classification: Uncertain significance. Last evaluated: 2022-08-31. Review status: criteria provided, single submitter. Criteria: Invitae Variant Classification Sherloc (09022015). Collection method: clinical testing. Allele origin: germline.
Comment: This sequence change replaces proline, which is neutral and non-polar, with arginine, which is basic and polar, at codon 2468 of the COL7A1 protein (p.Pro2468Arg). This variant is not present in population databases (gnomAD no frequency). This variant has not been reported in the literature in individuals affected with COL7A1-related conditions. Algorithms developed to predict the effect of missense changes on protein structure and function are either unavailable or do not agree on the potential impact of this missense change (SIFT: "Deleterious"; PolyPhen-2: "Probably Damaging"; Align-GVGD: "Class C0"). In summary, the available evidence is currently insufficient to determine the role of this variant in disease. Therefore, it has been classified as a Variant of Uncertain Significance.